The following is an entry in ClinVar:

ClinVar aggregate classification (germline): Pathogenic (1 of 4 stars; one submission).

Conditions:
BAP1-related tumor predisposition syndrome (TPDS1). Also called: Tumor susceptibility linked to germline BAP1 mutations; BAP1 tumor predisposition syndrome; COMMON Syndrome; TUMOR PREDISPOSITION SYNDROME 1. Identifiers: Orphanet 289539, MedGen C3280492, MONDO:0013692, OMIM 614327.

Submission:

Labcorp Genetics (formerly Invitae), Labcorp
Classification: Pathogenic for BAP1-related tumor predisposition syndrome. Last evaluated: 2019-04-01. Review status: criteria provided, single submitter. Criteria: Invitae Variant Classification Sherloc (09022015). Collection method: clinical testing. Allele origin: germline.
Comment: This sequence change creates a premature translational stop signal (p.Val346Phefs*16) in the BAP1 gene. It is expected to result in an absent or disrupted protein product. This variant is not present in population databases (ExAC no frequency). This variant has not been reported in the literature in individuals with BAP1-related conditions. Loss-of-function variants in BAP1 are known to be pathogenic (PMID: 21874000, 23684012). For these reasons, this variant has been classified as Pathogenic.

Literature cited by the submitters: PubMed 21874000; PubMed 23684012.

NM_004656.4(BAP1):c.1036del (p.Val346fs)

Gene: BAP1 (BRCA1 associated deubiquitinase 1; minus strand). Cytogenetic location: 3p21.1.
Variant type: Deletion.
Coding change: c.1036del on transcript NM_004656.4 (MANE Select); coding-DNA position 1036, one base deleted (G; older notation c.1036delG).
Protein change: p.Val346fs; shifts the reading frame from valine 346.
Molecular consequence: frameshift variant.
Genome position (GRCh38, 1-based): chr3:52,405,190, C deleted on the plus strand (G on the coding strand, the reverse complement: BAP1 is on the minus strand); the first of 4 consecutive C bases (chr3:52,405,190-52,405,193); deleting any one gives the same sequence. VCF-style (leftmost placement, unchanged base first): chr3-52405189-AC-A. GRCh37 (hg19) VCF-style: chr3-52439205-AC-A.
Other names: short protein forms V346fs.
Identifiers: ClinVar variation 950274 (VCV000950274.7), dbSNP rs1705109295, ClinGen allele CA645529937.